The following is an entry in ClinVar:

ClinVar aggregate classification (germline): Uncertain significance (1 of 4 stars; one submission).

Conditions:
Early Myoclonic Encephalopathy. Identifiers: MedGen C0270855.

Submission:

Labcorp Genetics (formerly Invitae), Labcorp
Classification: Uncertain significance for Early Myoclonic Encephalopathy. Last evaluated: 2023-02-16. Review status: criteria provided, single submitter. Criteria: Invitae Variant Classification Sherloc (09022015). Collection method: clinical testing. Allele origin: germline.
Comment: This sequence change replaces glycine, which is neutral and non-polar, with serine, which is neutral and polar, at codon 2455 of the JMJD1C protein (p.Gly2455Ser). This variant is not present in population databases (gnomAD no frequency). This variant has not been reported in the literature in individuals affected with JMJD1C-related conditions. ClinVar contains an entry for this variant (Variation ID: 1055201). Advanced modeling of protein sequence and biophysical properties (such as structural, functional, and spatial information, amino acid conservation, physicochemical variation, residue mobility, and thermodynamic stability) performed at Invitae indicates that this missense variant is expected to disrupt JMJD1C protein function. In summary, the available evidence is currently insufficient to determine the role of this variant in disease. Therefore, it has been classified as a Variant of Uncertain Significance.

NM_032776.3(JMJD1C):c.7363G>A (p.Gly2455Ser)

Gene: JMJD1C (jumonji domain containing 1C; minus strand). Cytogenetic location: 10q21.3.
Variant type: single nucleotide variant.
Coding change: c.7363G>A on transcript NM_032776.3 (MANE Select); coding-DNA position 7363, G replaced by A.
Protein change: p.Gly2455Ser; replaces glycine 2455 with serine.
Molecular consequence: missense variant. On other transcripts: non-coding transcript variant (1).
Genome position (GRCh38, 1-based): chr10:63,176,335, C>T on the plus strand (G>A on the coding strand, the complement: JMJD1C is on the minus strand). VCF-style: chr10-63176335-C-T. GRCh37 (hg19) VCF-style: chr10-64936095-C-T.
Other names: c.6817G>A, p.Gly2273Ser (NM_001282948.2, NM_001318154.2); c.6499G>A, p.Gly2167Ser (NM_001318153.2); c.7249G>A, p.Gly2417Ser (NM_001322252.2); c.6706G>A, p.Gly2236Ser (NM_001322254.2, NM_001322258.2); short protein forms G2167S, G2236S, G2273S, G2417S, G2455S.
Identifiers: ClinVar variation 1055201 (VCV001055201.9), dbSNP rs2132806240, ClinGen allele CA377019232.